The following is an entry in ClinVar:

ClinVar aggregate classification (germline): Benign (1 of 4 stars; one submission).

Conditions:
Juvenile polyposis/hereditary hemorrhagic telangiectasia syndrome (JPHT). Also called: JP/HHT SYNDROME; JUVENILE POLYPOSIS WITH HEREDITARY HEMORRHAGIC TELANGIECTASIA; POLYPOSIS, GENERALIZED JUVENILE, WITH PULMONARY ARTERIOVENOUS MALFORMATION; TELANGIECTASIA, HEREDITARY HEMORRHAGIC, WITH JUVENILE POLYPOSIS COLI; Juvenile Polyposis Syndrome / Hereditary Hemorrhagic Telangiectasia (JPS/HHT). Identifiers: Orphanet 2929, MedGen C1832942, MONDO:0008278, OMIM 175050.

gnomAD v4.1: 1 of 1,614,122 alleles (0.000062%); highest among the groups gnomAD compares: South Asian, 0.0011%; no homozygotes.

Submission:

Myriad Genetics, Inc.
Classification: Benign for Juvenile polyposis/hereditary hemorrhagic telangiectasia syndrome. Last evaluated: 2025-03-18. Review status: criteria provided, single submitter. Criteria: Myriad Autosomal Dominant, Autosomal Recessive and X-Linked Classification Criteria (2023). Collection method: clinical testing. Allele origin: unknown.
Comment: This variant is considered benign. This variant is a silent/synonymous amino acid change and it is not expected to impact splicing.

NM_005359.6(SMAD4):c.324A>G (p.Glu108=)

Gene: SMAD4 (SMAD family member 4; plus strand). Cytogenetic location: 18q21.2.
Variant type: single nucleotide variant.
Coding change: c.324A>G on transcript NM_005359.6 (MANE Select); coding-DNA position 324, A replaced by G.
Protein change: p.Glu108=; no amino-acid change (glutamic acid 108 retained).
Molecular consequence: synonymous variant. On other transcripts: non-coding transcript variant (2).
Genome position (GRCh38, 1-based): chr18:51,048,760, A>G. VCF-style: chr18-51048760-A-G. GRCh37 (hg19) VCF-style: chr18-48575130-A-G.
Other names: c.324A>G, p.Glu108= (NM_001407042.1, NM_001407043.1, NM_001407041.1).
Identifiers: ClinVar variation 3903543 (VCV003903543.1).
Genomic context (GRCh38, chr18:51,048,760, plus strand): 5'-AGGATTTCCTCATGTGATCTATGCCCGTCTCTGGAGGTGGCCTGATCTTCACAAAAATGA[A>G]CTAAAACATGTTAAATATTGTCAGTATGCGTTTGACTTAAAATGTGATAGTGTCTGTGTG-3'
Protein context (NP_005350.1, residues 98-118): LWRWPDLHKN[Glu108=]LKHVKYCQYA